The following is an entry in ClinVar:

NM_004371.4(COPA):c.2894G>A (p.Arg965Gln)

Gene: COPA (coat protein complex I subunit alpha; minus strand). Cytogenetic location: 1q23.2.
Variant type: single nucleotide variant.
Coding change: c.2894G>A on transcript NM_004371.4 (MANE Select); coding-DNA position 2894, G replaced by A.
Protein change: p.Arg965Gln; replaces arginine 965 with glutamine.
Molecular consequence: missense variant.
Genome position (GRCh38, 1-based): chr1:160,292,550, C>T on the plus strand (G>A on the coding strand, the complement: COPA is on the minus strand). VCF-style: chr1-160292550-C-T. GRCh37 (hg19) VCF-style: chr1-160262340-C-T.
Other names: c.2921G>A, p.Arg974Gln (NM_001098398.2); short protein forms R965Q, R974Q.
Identifiers: ClinVar variation 4712968 (VCV004712968.1).

ClinVar aggregate classification (germline): Uncertain significance (1 of 4 stars; one submission).

Conditions:
Autoimmune interstitial lung disease-arthritis syndrome. Also called: Autoinflammation and autoimmunity, systemic, with immune dysregulation. Identifiers: Orphanet 444092, MedGen C5975714, MONDO:0014629.

gnomAD v4.1: 32 of 1,613,884 alleles (0.002%); highest among the groups gnomAD compares: African/African-American, 0.004%; no homozygotes.

Submission:

Labcorp Genetics (formerly Invitae), Labcorp
Classification: Uncertain significance for Autoimmune interstitial lung disease-arthritis syndrome. Last evaluated: 2025-04-17. Review status: criteria provided, single submitter. Criteria: Invitae Variant Classification Sherloc (09022015). Collection method: clinical testing. Allele origin: germline.
Comment: This sequence change replaces arginine, which is basic and polar, with glutamine, which is neutral and polar, at codon 965 of the COPA protein (p.Arg965Gln). This variant is present in population databases (no rsID available, gnomAD 0.006%). This variant has not been reported in the literature in individuals affected with COPA-related conditions. Invitae Evidence Modeling of protein sequence and biophysical properties (such as structural, functional, and spatial information, amino acid conservation, physicochemical variation, residue mobility, and thermodynamic stability) indicates that this missense variant is not expected to disrupt COPA protein function with a negative predictive value of 80%. In summary, the available evidence is currently insufficient to determine the role of this variant in disease. Therefore, it has been classified as a Variant of Uncertain Significance.